The following is an entry in ClinVar:

ClinVar aggregate classification (germline): Uncertain significance (1 of 4 stars; one submission).

Allele frequency attached by ClinVar (database versions not stated): ExAC 0.00006; gnomAD 0.00007; TOPMed 0.00007.
gnomAD v4.1: 59 of 1,613,630 alleles (0.0037%); highest among the groups gnomAD compares: African/African-American, 0.031%; no homozygotes.

Submission:

Labcorp Genetics (formerly Invitae), Labcorp
Classification: Uncertain significance. Last evaluated: 2021-12-09. Review status: criteria provided, single submitter. Criteria: Invitae Variant Classification Sherloc (09022015). Collection method: clinical testing. Allele origin: germline.
Comment: This sequence change replaces alanine, which is neutral and non-polar, with threonine, which is neutral and polar, at codon 103 of the CARMIL2 protein (p.Ala103Thr). This variant is present in population databases (rs775280355, gnomAD 0.03%). This variant has not been reported in the literature in individuals affected with CARMIL2-related conditions. Algorithms developed to predict the effect of missense changes on protein structure and function output the following: SIFT: "Tolerated"; PolyPhen-2: "Benign"; Align-GVGD: "Class C0". The threonine amino acid residue is found in multiple mammalian species, which suggests that this missense change does not adversely affect protein function. In summary, the available evidence is currently insufficient to determine the role of this variant in disease. Therefore, it has been classified as a Variant of Uncertain Significance.

NM_001013838.3(CARMIL2):c.307G>A (p.Ala103Thr)

Gene: CARMIL2 (capping protein regulator and myosin 1 linker 2; plus strand). Cytogenetic location: 16q22.1.
Variant type: single nucleotide variant.
Coding change: c.307G>A on transcript NM_001013838.3 (MANE Select); coding-DNA position 307, G replaced by A.
Protein change: p.Ala103Thr; replaces alanine 103 with threonine.
Molecular consequence: missense variant.
Genome position (GRCh38, 1-based): chr16:67,646,243, G>A. VCF-style: chr16-67646243-G-A. GRCh37 (hg19) VCF-style: chr16-67680146-G-A.
Other names: c.307G>A, p.Ala103Thr (NM_001317026.3); short protein forms A103T.
Identifiers: ClinVar variation 1902080 (VCV001902080.2), dbSNP rs775280355, ClinGen allele CA8113020.
Genomic context (GRCh38, chr16:67,646,243, plus strand): 5'-TAGGTCACCTTTGAGCTGGAGTCCCTGCGTGAGCTGGTCCTGGAGTTTCCTGGTGTGGCC[G>A]CCCTGGAACAGCTGGCCCAGCACGTGGCTGCAGCCATCAAGAAGGTCTTCCCTCGCTCGA-3'
Protein context (NP_001013860.1, residues 93-113): ELVLEFPGVA[Ala103Thr]LEQLAQHVAA